The following is an entry in ClinVar:

ClinVar aggregate classification (germline): Benign/Likely benign. Review status: criteria provided, multiple submitters, no conflicts (2 of 4 stars). 3 submissions from 3 submitters: Benign (1); Likely benign (2). Last evaluated 2025-12-21.

Allele frequency attached by ClinVar (database versions not stated): gnomAD exomes 0.00027 and 0.00064; TOPMed 0.00036; gnomAD 0.00037 and 0.00039; ExAC 0.00046; ESP Exome Variant Server 0.00062.
gnomAD v4.1: 478 of 1,614,020 alleles (0.03%); highest among the groups gnomAD compares: Non-Finnish European, 0.0048%; 1 homozygote.

Submissions (3):

Labcorp Genetics (formerly Invitae), Labcorp
Classification: Benign. Last evaluated: 2025-12-21. Review status: criteria provided, single submitter. Criteria: Invitae Variant Classification Sherloc (09022015). Collection method: clinical testing. Allele origin: germline.

CeGaT Center for Human Genetics Tuebingen
Classification: Likely benign. Last evaluated: 2025-02-01. Review status: criteria provided, single submitter. Criteria: CeGaT Center For Human Genetics Tuebingen Variant Classification Criteria Version 2. Collection method: clinical testing. Allele origin: germline. Affected: yes. Observed: 3 variant alleles.
Comment: CLTC: BP4, BP7

Breakthrough Genomics
Classification: Likely benign. Review status: criteria provided, single submitter. Criteria: ACMG Guidelines, 2015. Collection method: not provided. Allele origin: germline. Inheritance: Autosomal dominant inheritance. Affected: yes.

NM_004859.4(CLTC):c.609G>A (p.Gln203=)

Gene: CLTC (clathrin heavy chain; plus strand). Cytogenetic location: 17q23.1.
Variant type: single nucleotide variant.
Coding change: c.609G>A on transcript NM_004859.4 (MANE Select); coding-DNA position 609, G replaced by A.
Protein change: p.Gln203=; no amino-acid change (glutamine 203 retained).
Molecular consequence: synonymous variant.
Genome position (GRCh38, 1-based): chr17:59,648,329, G>A. VCF-style: chr17-59648329-G-A. GRCh37 (hg19) VCF-style: chr17-57725690-G-A.
Other names: c.621G>A, p.Gln207= (NM_001288653.2).
Identifiers: ClinVar variation 808302 (VCV000808302.48), dbSNP rs149074963, ClinGen allele CA8681079.